The following is an entry in ClinVar:

ClinVar aggregate classification (germline): Pathogenic. Review status: criteria provided, single submitter (1 of 4 stars). 2 submissions from 2 submitters: Pathogenic (1). 1 of the submissions does not count toward it. Last evaluated 2023-03-01.

Conditions:
Smith-Magenis syndrome (SMS). Also called: CHROMOSOME 17p11.2 DELETION SYNDROME. Identifiers: Orphanet 819, MedGen C0795864, MONDO:0008434, OMIM 182290.

Submissions (2):

CeGaT Center for Human Genetics Tuebingen
Classification: Pathogenic. Last evaluated: 2023-03-01. Review status: criteria provided, single submitter. Criteria: CeGaT Center For Human Genetics Tuebingen Variant Classification Criteria Version 2. Collection method: clinical testing. Allele origin: germline. Affected: yes. Observed: 1 variant allele.
Comment: RAI1: PS2, PVS1:Strong, PM2

Hong-Tao Li Lab, Institute of Brain Science and Brain-inspired Research, Shandong First Medical University & Shandong Academy of Medical Sciences China
Classification: Pathogenic for Smith-Magenis syndrome. Last evaluated: 2026-06-28. Review status: no assertion criteria provided. Collection method: research. Allele origin: germline. Inheritance: Autosomal dominant inheritance. Affected: yes. Observed: 1 variant allele, 1 heterozygote. Not counted in ClinVar's aggregate classification.

NM_030665.4(RAI1):c.459dup (p.Ser154fs)

Gene: RAI1 (retinoic acid induced 1; plus strand). Cytogenetic location: 17p11.2.
Variant type: Duplication.
Coding change: c.459dup on transcript NM_030665.4 (MANE Select); coding-DNA position 459, one base duplicated (C; older notation c.459dupC).
Protein change: p.Ser154fs; shifts the reading frame from serine 154.
Molecular consequence: frameshift variant.
Genome position (GRCh38, 1-based): chr17:17,793,407, C duplicated; the last of 6 consecutive C bases (chr17:17,793,402-17,793,407); duplicating any one gives the same sequence. VCF-style (leftmost placement, unchanged base first): chr17-17793401-G-GC. GRCh37 (hg19) VCF-style: chr17-17696715-G-GC.
Other names: p.Ser154Glnfs*84; short protein forms S154fs.
Identifiers: ClinVar variation 2498694 (VCV002498694.29), dbSNP rs2508568958, ClinGen allele CA498422592.